The following is an entry in ClinVar:

ClinVar aggregate classification (germline): Uncertain significance. Review status: criteria provided, multiple submitters, no conflicts (2 of 4 stars). 4 submissions from 4 submitters: Uncertain significance (4). Last evaluated 2025-07-16.

Conditions:
Hereditary cancer-predisposing syndrome. Also called: Neoplastic Syndromes, Hereditary; Hereditary Cancer Syndrome; Tumor predisposition; Hereditary neoplastic syndrome. Identifiers: Orphanet 140162, MedGen C0027672, MeSH D009386, MONDO:0015356.

Allele frequency attached by ClinVar (database versions not stated): gnomAD exomes below 0.00001; TOPMed below 0.00001.
gnomAD v4.1: 2 of 1,613,110 alleles (0.00012%); highest among the groups gnomAD compares: Non-Finnish European, 0.000085%; no homozygotes.

Submissions (4):

Quest Diagnostics Nichols Institute San Juan Capistrano
Classification: Uncertain significance. Last evaluated: 2025-07-16. Review status: criteria provided, single submitter. Criteria: Quest Diagnostics criteria. Collection method: clinical testing. Allele origin: unknown.
Comment: The RAD50 c.535A>G (p.Ile179Val) variant has not been reported in individuals with RAD50-related conditions in the published literature. However, the variant has been described in reportedly unaffected individuals (PMIDs: 32906206 (2020), 32658311 (2021), 33471991 (2021), 38308423 (2024), see also LOVD). The frequency of this variant in the general population (Genome Aggregation Database) is uninformative in the assessment of its pathogenicity. Analysis of this variant using bioinformatics tools for the prediction of the effect of amino acid changes on protein structure and function yielded conflicting predictions that this variant is benign or damaging. Based on the available information, we are unable to determine the clinical significance of this variant.

Ambry Genetics
Classification: Uncertain significance for Hereditary cancer-predisposing syndrome. Last evaluated: 2025-05-29. Review status: criteria provided, single submitter. Criteria: Ambry Variant Classification Scheme 2023. Collection method: clinical testing. Allele origin: germline.
Comment: The p.I179V variant (also known as c.535A>G), located in coding exon 4 of the RAD50 gene, results from an A to G substitution at nucleotide position 535. The isoleucine at codon 179 is replaced by valine, an amino acid with highly similar properties. This amino acid position is highly conserved in available vertebrate species. In addition, this alteration is predicted to be tolerated by in silico analysis. Since supporting evidence is limited at this time, the clinical significance of this alteration remains unclear.

Labcorp Genetics (formerly Invitae), Labcorp
Classification: Uncertain significance for Hereditary cancer-predisposing syndrome. Last evaluated: 2025-04-28. Review status: criteria provided, single submitter. Criteria: Invitae Variant Classification Sherloc (09022015). Collection method: clinical testing. Allele origin: germline.
Comment: This sequence change replaces isoleucine, which is neutral and non-polar, with valine, which is neutral and non-polar, at codon 179 of the RAD50 protein (p.Ile179Val). This variant is present in population databases (no rsID available, gnomAD 0.0009%). This variant has not been reported in the literature in individuals affected with RAD50-related conditions. ClinVar contains an entry for this variant (Variation ID: 582602). Invitae Evidence Modeling of protein sequence and biophysical properties (such as structural, functional, and spatial information, amino acid conservation, physicochemical variation, residue mobility, and thermodynamic stability) indicates that this missense variant is expected to disrupt RAD50 protein function with a positive predictive value of 80%. RNA analysis performed to evaluate the impact of this missense change on mRNA splicing indicates it does not significantly alter splicing (internal data). In summary, the available evidence is currently insufficient to determine the role of this variant in disease. Therefore, it has been classified as a Variant of Uncertain Significance.

Women's Health and Genetics/Laboratory Corporation of America, LabCorp
Classification: Uncertain significance. Last evaluated: 2024-04-30. Review status: criteria provided, single submitter. Criteria: LabCorp Variant Classification Summary - May 2015. Collection method: clinical testing. Allele origin: germline.
Comment: Variant summary: RAD50 c.535A>G (p.Ile179Val) results in a conservative amino acid change located in the Rad50/SbcC-type AAA domain (IPR038729) of the encoded protein sequence. Three of five in-silico tools predict a damaging effect of the variant on protein function. The variant allele was found at a frequency of 4e-06 in 251290 control chromosomes. The available data on variant occurrences in the general population are insufficient to allow any conclusion about variant significance. To our knowledge, no occurrence of c.535A>G in individuals affected with Hereditary Breast And Ovarian Cancer Syndrome and no experimental evidence demonstrating its impact on protein function have been reported. ClinVar contains an entry for this variant (Variation ID: 582602). Based on the evidence outlined above, the variant was classified as uncertain significance.

Literature cited by the submitters: PubMed 38308423 (cited by Quest Diagnostics Nichols Institute San Juan Capistrano); PubMed 33471991 (cited by Quest Diagnostics Nichols Institute San Juan Capistrano); PubMed 32906206 (cited by Quest Diagnostics Nichols Institute San Juan Capistrano); PubMed 32658311 (cited by Quest Diagnostics Nichols Institute San Juan Capistrano).

NM_005732.4(RAD50):c.535A>G (p.Ile179Val)

Gene: RAD50 (RAD50 double strand break repair protein; plus strand). Cytogenetic location: 5q31.1.
Variant type: single nucleotide variant.
Coding change: c.535A>G on transcript NM_005732.4 (MANE Select); coding-DNA position 535, A replaced by G.
Protein change: p.Ile179Val; replaces isoleucine 179 with valine.
Molecular consequence: missense variant.
Genome position (GRCh38, 1-based): chr5:132,579,486, A>G. VCF-style: chr5-132579486-A-G. GRCh37 (hg19) VCF-style: chr5-131915178-A-G.
Other names: short protein forms I179V.
Identifiers: ClinVar variation 582602 (VCV000582602.16), dbSNP rs1490322684, ClinGen allele CA360935083.